The following is an entry in ClinVar:

ClinVar aggregate classification (germline): Uncertain significance (1 of 4 stars; one submission).

Conditions:
Inborn genetic diseases. Identifiers: MedGen C0950123, MeSH D030342.

Submission:

Ambry Genetics
Classification: Uncertain significance for Inborn genetic diseases. Last evaluated: 2024-02-06. Review status: criteria provided, single submitter. Criteria: Ambry Variant Classification Scheme 2023. Collection method: clinical testing. Allele origin: germline.
Comment: The c.2531T>A (p.L844H) alteration is located in exon 19 (coding exon 18) of the TAOK1 gene. This alteration results from a T to A substitution at nucleotide position 2531, causing the leucine (L) at amino acid position 844 to be replaced by a histidine (H). This variant was not reported in population-based cohorts in the Genome Aggregation Database (gnomAD). This amino acid position is highly conserved in available vertebrate species. This alteration is predicted to be deleterious by in silico analysis. Based on insufficient or conflicting evidence, the clinical significance of this alteration remains unclear.

NM_020791.4(TAOK1):c.2531T>A (p.Leu844His)

Gene: TAOK1 (TAO kinase 1; plus strand). Cytogenetic location: 17q11.2.
Variant type: single nucleotide variant.
Coding change: c.2531T>A on transcript NM_020791.4 (MANE Select); coding-DNA position 2531, T replaced by A.
Protein change: p.Leu844His; replaces leucine 844 with histidine.
Molecular consequence: missense variant.
Genome position (GRCh38, 1-based): chr17:29,534,287, T>A. VCF-style: chr17-29534287-T-A. GRCh37 (hg19) VCF-style: chr17-27861305-T-A.
Other names: c.2087T>A, p.Leu696His (NM_025142.1); short protein forms L696H, L844H.
Identifiers: ClinVar variation 3173779 (VCV003173779.1), dbSNP rs2508337809, ClinGen allele CA398917435.